The following is an entry in ClinVar:

NM_020166.5(MCCC1):c.622del (p.Arg208fs)

Gene: MCCC1 (methylcrotonyl-CoA carboxylase subunit 1; minus strand). Cytogenetic location: 3q27.1.
Variant type: Deletion.
Coding change: c.622del on transcript NM_020166.5 (MANE Select); coding-DNA position 622, one base deleted (C; older notation c.622delC).
Protein change: p.Arg208fs; shifts the reading frame from arginine 208.
Molecular consequence: frameshift variant. On other transcripts: non-coding transcript variant (2).
Genome position (GRCh38, 1-based): chr3:183,071,227, G deleted on the plus strand (C on the coding strand, the reverse complement: MCCC1 is on the minus strand); the first of 2 consecutive G bases (chr3:183,071,227-183,071,228); deleting either gives the same sequence. VCF-style (leftmost placement, unchanged base first): chr3-183071226-CG-C. GRCh37 (hg19) VCF-style: chr3-182789014-CG-C.
Other names: c.622delC (NM_020166.4); c.271del, p.Arg91fs (NM_001293273.2); c.295del, p.Arg99fs (NM_001363880.1); short protein forms R208fs, R91fs, R99fs.
Identifiers: ClinVar variation 1972751 (VCV001972751.9), dbSNP rs2530362767, ClinGen allele CA2580069124.

ClinVar aggregate classification (germline): Pathogenic/Likely pathogenic. Review status: criteria provided, multiple submitters, no conflicts (2 of 4 stars). 4 submissions from 4 submitters: Pathogenic (1); Likely pathogenic (3). Last evaluated 2025-06-16.

Conditions:
3-methylcrotonyl-CoA carboxylase 1 deficiency (MCC1D). Also called: MCCD TYPE 1; METHYLCROTONYLGLYCINURIA TYPE I; MCC 1 deficiency; 3 Alpha methylcrotonylglycinuria 1. Identifiers: Orphanet 6, MedGen CN028786, MONDO:0008861, OMIM 210200.
MCCC1-related disorder. Also called: MCCC1-related condition.

Submissions (4):

PreventionGenetics, part of Exact Sciences
Classification: Likely pathogenic for MCCC1-related condition. Last evaluated: 2025-06-16. Review status: criteria provided, single submitter. Criteria: ACMG Guidelines, 2015. Collection method: clinical testing. Allele origin: germline.
Comment: The MCCC1 c.622delC variant is predicted to result in a frameshift and premature protein termination (p.Arg208Glyfs*8). This variant has not been reported in the literature or a large population database (gnomAD), indicating this variant is rare. Frameshift variants in MCCC1 are expected to be pathogenic. This variant is interpreted as likely pathogenic.

Labcorp Genetics (formerly Invitae), Labcorp
Classification: Pathogenic for 3-methylcrotonyl-CoA carboxylase 1 deficiency. Last evaluated: 2024-12-31. Review status: criteria provided, single submitter. Criteria: Invitae Variant Classification Sherloc (09022015). Collection method: clinical testing. Allele origin: germline.
Comment: This sequence change creates a premature translational stop signal (p.Arg208Glyfs*8) in the MCCC1 gene. It is expected to result in an absent or disrupted protein product. Loss-of-function variants in MCCC1 are known to be pathogenic (PMID: 11181649, 15359379, 22642865). This variant is not present in population databases (gnomAD no frequency). This variant has not been reported in the literature in individuals affected with MCCC1-related conditions. ClinVar contains an entry for this variant (Variation ID: 1972751). For these reasons, this variant has been classified as Pathogenic.

Blueprint Genetics
Classification: Likely pathogenic for MCCC1-related disorders. Last evaluated: 2024-07-16. Review status: criteria provided, single submitter. Criteria: ACMG Guidelines, 2015. Collection method: clinical testing. Allele origin: germline. Affected: yes. Observed: 1 variant allele.

Baylor Genetics
Classification: Likely pathogenic for 3-methylcrotonyl-CoA carboxylase 1 deficiency. Last evaluated: 2024-03-30. Review status: criteria provided, single submitter. Criteria: ACMG Guidelines, 2015. Collection method: clinical testing. Allele origin: unknown.

Literature cited by the submitters: PubMed 11181649 (cited by Labcorp Genetics (formerly Invitae), Labcorp); PubMed 15359379 (cited by Labcorp Genetics (formerly Invitae), Labcorp); PubMed 22642865 (cited by Labcorp Genetics (formerly Invitae), Labcorp).